The following is an entry in ClinVar:

NM_001135556.2(DYNC1I1):c.1768G>A (p.Val590Ile)

Gene: DYNC1I1 (dynein cytoplasmic 1 intermediate chain 1; plus strand). Cytogenetic location: 7q21.3.
Variant type: single nucleotide variant.
Coding change: c.1768G>A on transcript NM_001135556.2 (MANE Select); coding-DNA position 1768, G replaced by A.
Protein change: p.Val590Ile; replaces valine 590 with isoleucine.
Molecular consequence: missense variant.
Genome position (GRCh38, 1-based): chr7:96,080,480, G>A. VCF-style: chr7-96080480-G-A. GRCh37 (hg19) VCF-style: chr7-95709792-G-A.
Other names: c.1708G>A, p.Val570Ile (NM_001135557.2, NM_001278422.2); c.1759G>A, p.Val587Ile (NM_001278421.2); c.1819G>A, p.Val607Ile (NM_004411.5); short protein forms V587I, V570I, V607I, V590I.
Identifiers: ClinVar variation 2851073 (VCV002851073.3), dbSNP rs145694237, ClinGen allele CA4352611.
Genomic context (GRCh38, chr7:96,080,480, plus strand): 5'-GCCCAAGCTGGCAAAGAAGTTGCTGTTGGGGACTCGGAAGGCCGTATTTGGGTCTATGAC[G>A]TTGGAGAGGTACGTGTGTATTTGTGTTGTTGTTACTGTTTTGACTTGTGTATCTACTTTA-3'
Protein context (NP_001129028.1, residues 580-600): DSEGRIWVYD[Val590Ile]GELAVPHNDE

ClinVar aggregate classification (germline): Uncertain significance (1 of 4 stars; one submission).

Allele frequency attached by ClinVar (database versions not stated): ExAC 0.00022; gnomAD 0.00068; ESP Exome Variant Server 0.00069; 1000 Genomes Project 30x 0.00078; gnomAD exomes 0.00011; TOPMed 0.00077; 1000 Genomes Project 0.00100.
gnomAD v4.1: 311 of 1,614,202 alleles (0.019%); highest among the groups gnomAD compares: African/African-American, 0.2%; no homozygotes.

Submission:

Labcorp Genetics (formerly Invitae), Labcorp
Classification: Uncertain significance. Last evaluated: 2025-09-07. Review status: criteria provided, single submitter. Criteria: Invitae Variant Classification Sherloc (09022015). Collection method: clinical testing. Allele origin: germline.
Comment: This sequence change replaces valine, which is neutral and non-polar, with isoleucine, which is neutral and non-polar, at codon 607 of the DYNC1I1 protein (p.Val607Ile). This variant is present in population databases (rs145694237, gnomAD 0.2%), and has an allele count higher than expected for a pathogenic variant. This variant has not been reported in the literature in individuals affected with DYNC1I1-related conditions. ClinVar contains an entry for this variant (Variation ID: 2851073). An algorithm developed to predict the effect of missense changes on protein structure and function (PolyPhen-2) suggests that this variant is likely to be tolerated. In summary, the available evidence is currently insufficient to determine the role of this variant in disease. Therefore, it has been classified as a Variant of Uncertain Significance.